The following is an entry in ClinVar:

NM_002246.3(KCNK3):c.801C>A (p.Asn267Lys)

Gene: KCNK3 (potassium two pore domain channel subfamily K member 3; plus strand). Cytogenetic location: 2p23.3.
Variant type: single nucleotide variant.
Coding change: c.801C>A on transcript NM_002246.3 (MANE Select); coding-DNA position 801, C replaced by A.
Protein change: p.Asn267Lys; replaces asparagine 267 with lysine.
Molecular consequence: missense variant.
Genome position (GRCh38, 1-based): chr2:26,728,184, C>A. VCF-style: chr2-26728184-C-A. GRCh37 (hg19) VCF-style: chr2-26951052-C-A.
Other names: short protein forms N267K.
Identifiers: ClinVar variation 2968526 (VCV002968526.3), dbSNP rs1302528580, ClinGen allele CA346262802.

ClinVar aggregate classification (germline): Uncertain significance (1 of 4 stars; one submission).

Conditions:
Pulmonary hypertension, primary, 4. Identifiers: Orphanet 422, MedGen C3809198, MONDO:0014136, OMIM 615344.

Submission:

Labcorp Genetics (formerly Invitae), Labcorp
Classification: Uncertain significance for Pulmonary hypertension, primary, 4. Last evaluated: 2025-12-14. Review status: criteria provided, single submitter. Criteria: Invitae Variant Classification Sherloc (09022015). Collection method: clinical testing. Allele origin: germline.
Comment: This sequence change replaces asparagine, which is neutral and polar, with lysine, which is basic and polar, at codon 267 of the KCNK3 protein (p.Asn267Lys). This variant is not present in population databases (gnomAD no frequency). This variant has not been reported in the literature in individuals affected with KCNK3-related conditions. ClinVar contains an entry for this variant (Variation ID: 2968526). Invitae Evidence Modeling of protein sequence and biophysical properties (such as structural, functional, and spatial information, amino acid conservation, physicochemical variation, residue mobility, and thermodynamic stability) indicates that this missense variant is not expected to disrupt KCNK3 protein function with a negative predictive value of 80%. In summary, the available evidence is currently insufficient to determine the role of this variant in disease. Therefore, it has been classified as a Variant of Uncertain Significance.